The following is an entry in ClinVar:

NM_001035.3(RYR2):c.7316C>G (p.Ala2439Gly)

Gene: RYR2 (ryanodine receptor 2; plus strand). Cytogenetic location: 1q43.
Variant type: single nucleotide variant.
Coding change: c.7316C>G on transcript NM_001035.3 (MANE Select); coding-DNA position 7316, C replaced by G.
Protein change: p.Ala2439Gly; replaces alanine 2439 with glycine.
Molecular consequence: missense variant.
Genome position (GRCh38, 1-based): chr1:237,643,421, C>G. VCF-style: chr1-237643421-C-G. GRCh37 (hg19) VCF-style: chr1-237806721-C-G.
Other names: short protein forms A2439G.
Identifiers: ClinVar variation 3070317 (VCV003070317.2), dbSNP rs371753590, ClinGen allele CA39792029.

ClinVar aggregate classification (germline): Uncertain significance. Review status: criteria provided, multiple submitters, no conflicts (2 of 4 stars). 3 submissions from 3 submitters: Uncertain significance (3). Last evaluated 2025-07-20.

Conditions:
Cardiomyopathy (CMYO). Also called: Cardiomyopathies. Identifiers: Orphanet 167848, MedGen C0878544, MONDO:0004994, HP:0001638. Inheritance: Various modes of inheritance.
Catecholaminergic polymorphic ventricular tachycardia (CVPT). Also called: Catecholamine-induced polymorphic ventricular tachycardia. Identifiers: Orphanet 3286, MedGen C5574922, MONDO:0017990.
Catecholaminergic polymorphic ventricular tachycardia 1. Also called: RYR2-Related Catecholaminergic Polymorphic Ventricular Tachycardia; VENTRICULAR TACHYCARDIA, STRESS-INDUCED POLYMORPHIC 1; VENTRICULAR TACHYCARDIA, CATECHOLAMINERGIC POLYMORPHIC, 1, WITH OR WITHOUT ATRIAL DYSFUNCTION AND/OR DILATED CARDIOMYOPATHY. Identifiers: Orphanet 3286, MedGen C1631597, MONDO:0011484, OMIM 604772.

Allele frequency attached by ClinVar (database versions not stated): gnomAD exomes below 0.00001; TOPMed below 0.00001; ESP Exome Variant Server 0.00008.
gnomAD v4.1: 3 of 1,613,908 alleles (0.00019%); highest among the groups gnomAD compares: Non-Finnish European, 0.00017%; no homozygotes.

Submissions (3):

Labcorp Genetics (formerly Invitae), Labcorp
Classification: Uncertain significance for Catecholaminergic polymorphic ventricular tachycardia 1. Last evaluated: 2025-07-20. Review status: criteria provided, single submitter. Criteria: Invitae Variant Classification Sherloc (09022015). Collection method: clinical testing. Allele origin: germline.
Comment: This sequence change replaces alanine, which is neutral and non-polar, with glycine, which is neutral and non-polar, at codon 2439 of the RYR2 protein (p.Ala2439Gly). This variant is present in population databases (rs371753590, gnomAD no frequency). This variant has not been reported in the literature in individuals affected with RYR2-related conditions. ClinVar contains an entry for this variant (Variation ID: 3070317). Invitae Evidence Modeling of protein sequence and biophysical properties (such as structural, functional, and spatial information, amino acid conservation, physicochemical variation, residue mobility, and thermodynamic stability) indicates that this missense variant is not expected to disrupt RYR2 protein function with a negative predictive value of 95%. In summary, the available evidence is currently insufficient to determine the role of this variant in disease. Therefore, it has been classified as a Variant of Uncertain Significance.

All of Us Research Program, National Institutes of Health
Classification: Uncertain significance for Catecholaminergic polymorphic ventricular tachycardia. Last evaluated: 2023-12-13. Review status: criteria provided, single submitter. Criteria: ACMG Guidelines, 2015. Collection method: clinical testing. Allele origin: germline. Inheritance: Autosomal dominant inheritance. Observed: 2 variant alleles, 2 heterozygotes.
Comment: This missense variant replaces alanine with glycine at codon 2439 of the RYR2 protein. Computational prediction suggests that this variant may not impact protein structure and function (internally defined REVEL score threshold <= 0.5, PMID: 27666373). To our knowledge, functional studies have not been reported for this variant. This variant has not been reported in individuals affected with RYR2-related disorders in the literature. This variant has not been identified in the general population by the Genome Aggregation Database (gnomAD). The available evidence is insufficient to determine the role of this variant in disease conclusively. Therefore, this variant is classified as a Variant of Uncertain Significance.

This study involves interpretation of variants in research participants for the purpose of population health screening. Participant phenotype was not available at the time of variant classification. Additional details can be found in publication PMID: 35346344, PMCID: PMC8962531

Color Diagnostics, LLC DBA Color Health
Classification: Uncertain significance for Cardiomyopathy. Last evaluated: 2023-11-08. Review status: criteria provided, single submitter. Criteria: ACMG Guidelines, 2015. Collection method: clinical testing. Allele origin: germline.
Comment: This missense variant replaces alanine with glycine at codon 2439 of the RYR2 protein. Computational prediction suggests that this variant may not impact protein structure and function. To our knowledge, functional studies have not been reported for this variant. This variant has not been reported in individuals affected with RYR2-related disorders in the literature. This variant has not been identified in the general population by the Genome Aggregation Database (gnomAD). The available evidence is insufficient to determine the role of this variant in disease conclusively. Therefore, this variant is classified as a Variant of Uncertain Significance.